The following is an entry in ClinVar:

NM_005343.4(HRAS):c.-54+7G>A

Genes: LRRC56 (leucine rich repeat containing 56; plus strand), HRAS (HRas proto-oncogene, GTPase; minus strand). Cytogenetic location: 11p15.5.
Variant type: single nucleotide variant.
Coding change: c.-54+7G>A on transcript NM_005343.4 (MANE Select); 7 bases into the intron after 54 bases upstream of the start codon, G replaced by A.
Molecular consequence: intron variant.
Genome position (GRCh38, 1-based): chr11:535,409, C>T on the plus strand (G>A on the coding strand, the complement: HRAS is on the minus strand). VCF-style: chr11-535409-C-T. GRCh37 (hg19) VCF-style: chr11-535409-C-T.
Other names: c.-54+7G>A (NM_001130442.3, NM_176795.5); c.-373+7G>A (NM_001318054.2).
Identifiers: ClinVar variation 508418 (VCV000508418.1), dbSNP rs1183370084, ClinGen allele CA658797557.
Genomic context (GRCh38, chr11:535,409, plus strand): 5'-CGCGCGTATTGCTGCCGCCTGGGGGCGAGGAGGGCGCGCGGCCCGGCCGATCCCTGCCCG[C>T]ACTCACCGTTCACAGGCGCGACTGCCCCCGGGGCCAGGGCCGGGGCCGAGGCCGGGGCGG-3'

ClinVar aggregate classification (germline): Likely benign (1 of 4 stars; one submission).

Allele frequency attached by ClinVar (database versions not stated): gnomAD 0.00003 and 0.00004; TOPMed 0.00003.
gnomAD v4.1: 5 of 147,118 alleles (0.0034%); highest among the groups gnomAD compares: African/African-American, 0.0049%; no homozygotes.

Submission:

GeneDx
Classification: Likely benign. Last evaluated: 2017-03-24. Review status: criteria provided, single submitter. Criteria: GeneDx Variant Classification (06012015). Collection method: clinical testing. Allele origin: germline. Affected: yes.
Comment: This variant is considered likely benign or benign based on one or more of the following criteria: it is a conservative change, it occurs at a poorly conserved position in the protein, it is predicted to be benign by multiple in silico algorithms, and/or has population frequency not consistent with disease.